The following is an entry in ClinVar:

NM_002474.3(MYH11):c.4437G>A (p.Arg1479=)

Genes: NDE1 (nudE neurodevelopment protein 1; plus strand), MYH11 (myosin heavy chain 11; minus strand). Cytogenetic location: 16p13.11.
Variant type: single nucleotide variant.
Coding change: c.4437G>A on transcript NM_002474.3 (MANE Select); coding-DNA position 4437, G replaced by A.
Protein change: p.Arg1479=; no amino-acid change (arginine 1479 retained).
Molecular consequence: synonymous variant. On other transcripts: intron variant (2).
Genome position (GRCh38, 1-based): chr16:15,721,563, C>T on the plus strand (G>A on the coding strand, the complement: MYH11 is on the minus strand). VCF-style: chr16-15721563-C-T. GRCh37 (hg19) VCF-style: chr16-15815420-C-T.
Other names: c.4458G>A, p.Arg1486= (NM_001040113.2, NM_001040114.2); c.4437G>A, p.Arg1479= (NM_022844.3); c.948-2628C>T (NM_001143979.2, NM_017668.3).
Identifiers: ClinVar variation 1907266 (VCV001907266.6), dbSNP rs2040485451, ClinGen allele CA494087892.
Genomic context (GRCh38, chr16:15,721,563, plus strand): 5'-TTTGGCTTCCAAGGCCTCTTCAAGGGCCCGAGCCAGGGACAGGGCCTTGGTTTCCTTCTC[C>T]CTGGCTTCTGCCTCAGCTCTGTCCCTCTCATCCGCGTATTTGGAAGAGATGTTTTTCTCC-3'
Protein context (NP_002465.1, residues 1469-1489): DERDRAEAEA[Arg1479=]EKETKALSLA

ClinVar aggregate classification (germline): Likely benign. Review status: criteria provided, multiple submitters, no conflicts (2 of 4 stars). 2 submissions from 2 submitters: Likely benign (2). Last evaluated 2024-03-24.

Conditions:
Aortic aneurysm, familial thoracic 4 (AAT4). Also called: AORTIC ANEURYSM/AORTIC DISSECTION AND PATENT DUCTUS ARTERIOSUS. Identifiers: MedGen C1851504, MONDO:0007568, OMIM 132900.
Familial thoracic aortic aneurysm and aortic dissection (TAAD). Also called: Thoracic aortic aneurysms and dissections. Identifiers: Orphanet 91387, MedGen C4707243, MONDO:0019625.

Allele frequency attached by ClinVar (database versions not stated): gnomAD exomes below 0.00001; gnomAD 0.00001.
gnomAD v4.1: 2 of 1,614,104 alleles (0.00012%); highest among the groups gnomAD compares: Non-Finnish European, 0.00017%; no homozygotes.

Submissions (2):

All of Us Research Program, National Institutes of Health
Classification: Likely benign for Familial thoracic aortic aneurysm and aortic dissection. Last evaluated: 2024-03-24. Review status: criteria provided, single submitter. Criteria: ACMG Guidelines, 2015. Collection method: clinical testing. Allele origin: germline. Inheritance: Autosomal dominant inheritance. Observed: 1 variant allele, 1 heterozygote.
Comment: This study involves interpretation of variants in research participants for the purpose of population health screening. Participant phenotype was not available at the time of variant classification. Additional details can be found in publication PMID: 35346344, PMCID: PMC8962531

Labcorp Genetics (formerly Invitae), Labcorp
Classification: Likely benign for Aortic aneurysm, familial thoracic 4. Last evaluated: 2022-12-25. Review status: criteria provided, single submitter. Criteria: Invitae Variant Classification Sherloc (09022015). Collection method: clinical testing. Allele origin: germline.